The following is an entry in ClinVar:

ClinVar aggregate classification (germline): Likely benign. Review status: criteria provided, multiple submitters, no conflicts (2 of 4 stars). 2 submissions from 2 submitters: Likely benign (2). Last evaluated 2025-03-04.

Conditions:
Hereditary diffuse gastric adenocarcinoma (HDGC). Also called: DIFFUSE GASTRIC AND LOBULAR BREAST CANCER SYNDROME. Identifiers: Orphanet 26106, MedGen C1708349, MONDO:0007648, OMIM 137215.

Allele frequency attached by ClinVar (database versions not stated): gnomAD exomes below 0.00001.
gnomAD v4.1: 1 of 1,611,370 alleles (0.000062%); highest among the groups gnomAD compares: Non-Finnish European, 0.000085%; no homozygotes.

Submissions (2):

Center for Genomic Medicine, Rigshospitalet, Copenhagen University Hospital
Classification: Likely benign. Last evaluated: 2025-03-04. Review status: criteria provided, single submitter. Criteria: ACMG Guidelines, 2015. Collection method: clinical testing. Allele origin: germline.
Comment: Classification criteria: BP4

Labcorp Genetics (formerly Invitae), Labcorp
Classification: Likely benign for Hereditary diffuse gastric adenocarcinoma. Last evaluated: 2021-04-30. Review status: criteria provided, single submitter. Criteria: Invitae Variant Classification Sherloc (09022015). Collection method: clinical testing. Allele origin: germline.

NM_004360.5(CDH1):c.2440-13C>A

Gene: CDH1 (cadherin 1; plus strand). Cytogenetic location: 16q22.1.
Variant type: single nucleotide variant.
Coding change: c.2440-13C>A on transcript NM_004360.5 (MANE Select); 13 bases into the intron before coding-DNA position 2440, C replaced by A.
Molecular consequence: intron variant.
Genome position (GRCh38, 1-based): chr16:68,833,277, C>A. VCF-style: chr16-68833277-C-A. GRCh37 (hg19) VCF-style: chr16-68867180-C-A.
Other names: c.892-13C>A (NM_001317185.2); c.475-13C>A (NM_001317186.2); c.2257-13C>A (NM_001317184.2).
Identifiers: ClinVar variation 1555709 (VCV001555709.9), dbSNP rs1567517555, ClinGen allele CA623574769.